The following is an entry in ClinVar:

NC_000010.11:g.(?_13109113)_(13112645_?)del

Gene: OPTN (optineurin; plus strand). Cytogenetic location: 10p13.
Variant type: Deletion.
Identifiers: ClinVar variation 832940 (VCV000832940.1).

ClinVar aggregate classification (germline): Pathogenic (1 of 4 stars; one submission).

Conditions:
Glaucoma 1, open angle, E. Identifiers: MedGen C1842026, MONDO:0007665.
Amyotrophic lateral sclerosis type 12 (ALS12). Also called: AMYOTROPHIC LATERAL SCLEROSIS 12 WITH OR WITHOUT FRONTOTEMPORAL DEMENTIA. Identifiers: Orphanet 803, MedGen C3150692, MONDO:0013264, OMIM 613435.
Primary open angle glaucoma (POAG). Also called: OPTN-related open angle glaucoma. Identifiers: MedGen C0339573, MONDO:0100553, OMIM 137760.

Submission:

Labcorp Genetics (formerly Invitae), Labcorp
Classification: Pathogenic for Primary open angle glaucoma; Glaucoma 1, open angle, e; Amyotrophic lateral sclerosis type 12. Last evaluated: 2019-09-03. Review status: criteria provided, single submitter. Criteria: Invitae Variant Classification Sherloc (09022015). Collection method: clinical testing. Allele origin: germline.
Comment: This variant is a gross deletion of the genomic region encompassing exons 2-4 of the OPTN gene, which includes the initiator codon. The 5' end of this event is unknown as it extends beyond the assayed region for this gene and therefore may encompass additional genes. The 3' boundary is likely confined to intron 4 of the OPTN gene. This is expected to result in an absent or disrupted protein product. This variant has not been reported in the literature in individuals with OPTN-related conditions. Loss-of-function variants in OPTN are known to be pathogenic (PMID: 20428114). For these reasons, this variant has been classified as Pathogenic.